The following is an entry in ClinVar:

ClinVar aggregate classification (germline): Uncertain significance. Review status: criteria provided, multiple submitters, no conflicts (2 of 4 stars). 4 submissions from 4 submitters: Uncertain significance (4). Last evaluated 2025-03-27.

Conditions:
SYNE1-related disorder. Also called: SYNE1-related disorders; SYNE1-related disease; SYNE1-related condition.
Emery-Dreifuss muscular dystrophy 4, autosomal dominant (EDMD4). Also called: EMERY-DREIFUSS MUSCULAR DYSTROPHY 4 WITH VARIABLE FEATURES. Identifiers: Orphanet 261, MedGen C2751807, MONDO:0013071, OMIM 612998.
Autosomal recessive ataxia, Beauce type. Also called: SYNE1-Related Autosomal Recessive Cerebellar Ataxia; Spinocerebellar ataxia, autosomal recessive 8; ATAXIA, RECESSIVE, OF BEAUCE; SYNE1 Deficiency. Identifiers: Orphanet 88644, MedGen C1853116, MONDO:0012549, OMIM 610743.

Allele frequency attached by ClinVar (database versions not stated): gnomAD 0.00002; ExAC 0.00009; TOPMed 0.00002; gnomAD exomes 0.00004; ESP Exome Variant Server 0.00008.
gnomAD v4.1: 29 of 1,614,008 alleles (0.0018%); highest among the groups gnomAD compares: Non-Finnish European, 0.0022%; no homozygotes.

Submissions (4):

Athena Diagnostics
Classification: Uncertain significance. Last evaluated: 2025-03-27. Review status: criteria provided, single submitter. Criteria: Athena Diagnostics Criteria. Collection method: clinical testing. Allele origin: unknown.
Comment: Available data are insufficient to determine the clinical significance of the variant at this time. The frequency of this variant in the general population is uninformative in assessment of its pathogenicity. Polyphen and MutationTaster predict this amino acid change may be benign.

Revvity Omics, Revvity
Classification: Uncertain significance. Last evaluated: 2023-12-11. Review status: criteria provided, single submitter. Criteria: ACMG Guidelines, 2015. Collection method: clinical testing. Allele origin: germline.

PreventionGenetics, part of Exact Sciences
Classification: Uncertain significance for SYNE1-related condition. Last evaluated: 2023-03-20. Review status: criteria provided, single submitter. Criteria: ACMG Guidelines, 2015. Collection method: clinical testing. Allele origin: germline.
Comment: The SYNE1 c.11336T>A variant is predicted to result in the amino acid substitution p.Met3779Lys. To our knowledge, this variant has not been reported in the literature. This variant is reported in 0.0097% of alleles in individuals of European (Non-Finnish) descent in gnomAD. At this time, the clinical significance of this variant is uncertain due to the absence of conclusive functional and genetic evidence.

Labcorp Genetics (formerly Invitae), Labcorp
Classification: Uncertain significance for Emery-Dreifuss muscular dystrophy 4, autosomal dominant; Autosomal recessive ataxia, Beauce type. Last evaluated: 2022-09-01. Review status: criteria provided, single submitter. Criteria: Invitae Variant Classification Sherloc (09022015). Collection method: clinical testing. Allele origin: germline.
Comment: This sequence change replaces methionine, which is neutral and non-polar, with lysine, which is basic and polar, at codon 3779 of the SYNE1 protein (p.Met3779Lys). This variant is present in population databases (rs143519691, gnomAD 0.01%). This variant has not been reported in the literature in individuals affected with SYNE1-related conditions. ClinVar contains an entry for this variant (Variation ID: 1378600). Algorithms developed to predict the effect of missense changes on protein structure and function are either unavailable or do not agree on the potential impact of this missense change (SIFT: "Deleterious"; PolyPhen-2: "Benign"; Align-GVGD: "Class C35"). In summary, the available evidence is currently insufficient to determine the role of this variant in disease. Therefore, it has been classified as a Variant of Uncertain Significance.

NM_182961.4(SYNE1):c.11381T>A (p.Met3794Lys)

Gene: SYNE1 (spectrin repeat containing nuclear envelope protein 1; minus strand). Cytogenetic location: 6q25.2.
Variant type: single nucleotide variant.
Coding change: c.11381T>A on transcript NM_182961.4 (MANE Select); coding-DNA position 11381, T replaced by A.
Protein change: p.Met3794Lys; replaces methionine 3794 with lysine.
Molecular consequence: missense variant.
Genome position (GRCh38, 1-based): chr6:152,352,226, A>T on the plus strand (T>A on the coding strand, the complement: SYNE1 is on the minus strand). VCF-style: chr6-152352226-A-T. GRCh37 (hg19) VCF-style: chr6-152673361-A-T.
Other names: c.11381T>A (NM_182961.2); c.11336T>A, p.Met3779Lys (NM_033071.5); c.11336T>A (NM_033071.3); short protein forms M3779K, M3794K.
Identifiers: ClinVar variation 1378600 (VCV001378600.5), dbSNP rs143519691, ClinGen allele CA4056701.